The following is an entry in ClinVar:

NM_002204.4(ITGA3):c.2363T>C (p.Val788Ala)

Gene: ITGA3 (integrin subunit alpha 3; plus strand). Cytogenetic location: 17q21.33.
Variant type: single nucleotide variant.
Coding change: c.2363T>C on transcript NM_002204.4 (MANE Select); coding-DNA position 2363, T replaced by C.
Protein change: p.Val788Ala; replaces valine 788 with alanine.
Molecular consequence: missense variant.
Genome position (GRCh38, 1-based): chr17:50,078,889, T>C. VCF-style: chr17-50078889-T-C. GRCh37 (hg19) VCF-style: chr17-48156253-T-C.
Other names: short protein forms V788A.
Identifiers: ClinVar variation 2415132 (VCV002415132.6), dbSNP rs573605673, ClinGen allele CA291524606.

ClinVar aggregate classification (germline): Uncertain significance (1 of 4 stars; one submission).

Allele frequency attached by ClinVar (database versions not stated): gnomAD exomes below 0.00001; TOPMed 0.00002.

Submission:

Labcorp Genetics (formerly Invitae), Labcorp
Classification: Uncertain significance. Last evaluated: 2024-12-02. Review status: criteria provided, single submitter. Criteria: Invitae Variant Classification Sherloc (09022015). Collection method: clinical testing. Allele origin: germline.
Comment: This sequence change replaces valine, which is neutral and non-polar, with alanine, which is neutral and non-polar, at codon 788 of the ITGA3 protein (p.Val788Ala). This variant is present in population databases (rs573605673, gnomAD 0.009%). This variant has not been reported in the literature in individuals affected with ITGA3-related conditions. ClinVar contains an entry for this variant (Variation ID: 2415132). Invitae Evidence Modeling of protein sequence and biophysical properties (such as structural, functional, and spatial information, amino acid conservation, physicochemical variation, residue mobility, and thermodynamic stability) indicates that this missense variant is not expected to disrupt ITGA3 protein function with a negative predictive value of 80%. In summary, the available evidence is currently insufficient to determine the role of this variant in disease. Therefore, it has been classified as a Variant of Uncertain Significance.